The following is an entry in ClinVar:

NM_170682.4(P2RX2):c.860G>A (p.Arg287Lys)

Gene: P2RX2 (purinergic receptor P2X 2; plus strand). Cytogenetic location: 12q24.33.
Variant type: single nucleotide variant.
Coding change: c.860G>A on transcript NM_170682.4 (MANE Select); coding-DNA position 860, G replaced by A.
Protein change: p.Arg287Lys; replaces arginine 287 with lysine.
Molecular consequence: missense variant.
Genome position (GRCh38, 1-based): chr12:132,621,086, G>A. VCF-style: chr12-132621086-G-A. GRCh37 (hg19) VCF-style: chr12-133197672-G-A.
Other names: c.758G>A, p.Arg253Lys (NM_001282164.2); c.860G>A, p.Arg287Lys (NM_001282165.2, NM_170683.4, NM_174873.3); c.644G>A, p.Arg215Lys (NM_012226.5); c.788G>A, p.Arg263Lys (NM_016318.4); c.584G>A, p.Arg195Lys (NM_174872.3); short protein forms R195K, R215K, R253K, R263K, R287K.
Identifiers: ClinVar variation 3893343 (VCV003893343.1).

ClinVar aggregate classification (germline): Uncertain significance (1 of 4 stars; one submission).

Submission:

GeneDx
Classification: Uncertain significance. Last evaluated: 2024-10-23. Review status: criteria provided, single submitter. Criteria: GeneDx Variant Classification Process June 2021. Collection method: clinical testing. Allele origin: germline. Affected: yes.
Comment: In silico analysis supports that this missense variant has a deleterious effect on protein structure/function; Has not been previously published as pathogenic or benign to our knowledge